The following is an entry in ClinVar:

NM_001347721.2(DYRK1A):c.1431T>C (p.Gly477=)

Gene: DYRK1A (dual specificity tyrosine phosphorylation regulated kinase 1A; plus strand). Cytogenetic location: 21q22.13.
Variant type: single nucleotide variant.
Coding change: c.1431T>C on transcript NM_001347721.2 (MANE Select); coding-DNA position 1431, T replaced by C.
Protein change: p.Gly477=; no amino-acid change (glycine 477 retained).
Molecular consequence: synonymous variant.
Genome position (GRCh38, 1-based): chr21:37,505,501, T>C. VCF-style: chr21-37505501-T-C. GRCh37 (hg19) VCF-style: chr21-38877804-T-C.
Other names: p.Gly486=; c.1431T>C, p.Gly477= (NM_001347722.2, NM_130436.2); c.1344T>C, p.Gly448= (NM_001347723.2); c.1458T>C, p.Gly486= (NM_001396.5, NM_101395.2, NM_130438.2).
Identifiers: ClinVar variation 4684433 (VCV004684433.1).
Genomic context (GRCh38, chr21:37,505,501, plus strand): 5'-TCGAATTCAACCTTATTATGCTCTGCAGCACAGTTTCTTCAAGAAAACAGCTGATGAAGG[T>C]ACAAATACAAGTAATAGTGTATCTACAAGCCCCGCCATGGAGCAGTCTCAGTCTTCGGGC-3'
Protein context (NP_001334650.1, residues 467-487): HSFFKKTADE[Gly477=]TNTSNSVSTS

ClinVar aggregate classification (germline): Likely benign (1 of 4 stars; one submission).

gnomAD v4.1: 27 of 1,614,020 alleles (0.0017%); highest among the groups gnomAD compares: Non-Finnish European, 0.0022%; no homozygotes.

Submission:

Mayo Clinic Laboratories, Mayo Clinic
Classification: Likely benign. Last evaluated: 2025-09-26. Review status: criteria provided, single submitter. Criteria: ACMG Guidelines, 2015. Collection method: clinical testing. Allele origin: germline. Observed: 1 variant allele.
Comment: BP4, BP7